The following is an entry in ClinVar:

ClinVar aggregate classification (germline): Likely benign. Review status: criteria provided, multiple submitters, no conflicts (2 of 4 stars). 2 submissions from 2 submitters: Likely benign (2). Last evaluated 2025-12-18.

Conditions:
Familial cancer of breast. Also called: Hereditary breast cancer; BREAST CANCER, FAMILIAL; hereditary breast carcinoma. Identifiers: Orphanet 227535, MedGen C0346153, MONDO:0016419, OMIM 114480. Disease mechanism: loss of function.

Submissions (2):

Labcorp Genetics (formerly Invitae), Labcorp
Classification: Likely benign for Familial cancer of breast. Last evaluated: 2025-12-18. Review status: criteria provided, single submitter. Criteria: Invitae Variant Classification Sherloc (09022015). Collection method: clinical testing. Allele origin: germline.

GeneDx
Classification: Likely benign. Last evaluated: 2017-01-04. Review status: criteria provided, single submitter. Criteria: GeneDx Variant Classification (06012015). Collection method: clinical testing. Allele origin: germline. Affected: yes.
Comment: This variant is considered likely benign or benign based on one or more of the following criteria: it is a conservative change, it occurs at a poorly conserved position in the protein, it is predicted to be benign by multiple in silico algorithms, and/or has population frequency not consistent with disease.

NM_007194.4(CHEK2):c.846+12_846+16del

Gene: CHEK2 (checkpoint kinase 2; minus strand). Cytogenetic location: 22q12.1.
Variant type: Deletion.
Coding change: c.846+12_846+16del on transcript NM_007194.4 (MANE Select); bases 12 to 16 of the intron after coding-DNA position 846, 5 bases deleted (TATAT; older notation c.846+12_846+16delTATAT).
Molecular consequence: intron variant.
Genome position (GRCh38, 1-based): chr22:28,709,990-28,709,994, ATATA deleted on the plus strand (TATAT on the coding strand, the reverse complement: CHEK2 is on the minus strand); deleting any 5 consecutive bases within chr22:28,709,990-28,709,997 gives the same sequence; the c. name uses the placement nearest the transcript's 3' end. VCF-style (leftmost placement, unchanged base first): chr22-28709989-CATATA-C. GRCh37 (hg19) VCF-style: chr22-29105977-CATATA-C.
Other names: c.846+12_846+16delTATAT (NM_007194.3); c.183+12_183+16del (NM_001437942.1, NM_001257387.3); c.645+12_645+16del (NM_001349956.3); c.846+12_846+16del (NM_145862.3); c.939+12_939+16del (NM_001438295.1, NM_001438293.1); c.975+12_975+16del (NM_001438294.1, NM_001005735.3).
Identifiers: ClinVar variation 423018 (VCV000423018.2), dbSNP rs1064796169, ClinGen allele CA16621069.